The following is an entry in ClinVar:

NM_020207.7(ERCC6L2):c.143G>T (p.Gly48Val)

Gene: ERCC6L2 (ERCC excision repair 6 like 2; plus strand). Cytogenetic location: 9q22.32.
Variant type: single nucleotide variant.
Coding change: c.143G>T on transcript NM_020207.7 (MANE Select); coding-DNA position 143, G replaced by T.
Protein change: p.Gly48Val; replaces glycine 48 with valine.
Molecular consequence: missense variant. On other transcripts: non-coding transcript variant (1).
Genome position (GRCh38, 1-based): chr9:95,880,965, G>T. VCF-style: chr9-95880965-G-T. GRCh37 (hg19) VCF-style: chr9-98643247-G-T.
Other names: c.143G>T, p.Gly48Val (NM_001375291.1, NM_001375292.1, NM_001375293.1 and 2 more transcripts); short protein forms G48V.
Identifiers: ClinVar variation 4618714 (VCV004618714.1).

ClinVar aggregate classification (germline): Uncertain significance (1 of 4 stars; one submission).

Conditions:
Inborn genetic diseases. Identifiers: MedGen C0950123, MeSH D030342.

Submission:

Ambry Genetics
Classification: Uncertain significance for Inborn genetic diseases. Last evaluated: 2025-09-29. Review status: criteria provided, single submitter. Criteria: Ambry Variant Classification Scheme 2023. Collection method: clinical testing. Allele origin: germline.
Comment: The p.G48V variant (also known as c.143G>T), located in coding exon 2 of the ERCC6L2 gene, results from a G to T substitution at nucleotide position 143. The glycine at codon 48 is replaced by valine, an amino acid with dissimilar properties. This amino acid position is conserved. In addition, this alteration is predicted to be deleterious by in silico analysis. Based on the available evidence, the clinical significance of this variant remains unclear.